The following is an entry in ClinVar:

ClinVar aggregate classification (germline): Uncertain significance (1 of 4 stars; one submission).

Conditions:
Cystic fibrosis (CF). Also called: MUCOVISCIDOSIS. Identifiers: Orphanet 586, MedGen C0010674, MONDO:0009061, OMIM 219700. Disease mechanism: loss of function.

Submission:

Ambry Genetics
Classification: Uncertain significance for Cystic fibrosis. Last evaluated: 2025-10-26. Review status: criteria provided, single submitter. Criteria: Ambry Variant Classification Scheme 2023. Collection method: clinical testing. Allele origin: germline.
Comment: The p.Q685K variant (also known as c.2053C>A), located in coding exon 14 of the CFTR gene, results from a C to A substitution at nucleotide position 2053. The glutamine at codon 685 is replaced by lysine, an amino acid with similar properties. This amino acid position is conserved. In addition, the in silico prediction for this alteration is inconclusive. Based on the available evidence, the clinical significance of this variant remains unclear.

NM_000492.4(CFTR):c.2053C>A (p.Gln685Lys)

Gene: CFTR (CF transmembrane conductance regulator; plus strand). Cytogenetic location: 7q31.2.
Variant type: single nucleotide variant.
Coding change: c.2053C>A on transcript NM_000492.4 (MANE Select); coding-DNA position 2053, C replaced by A.
Protein change: p.Gln685Lys; replaces glutamine 685 with lysine.
Molecular consequence: missense variant.
Genome position (GRCh38, 1-based): chr7:117,592,220, C>A. VCF-style: chr7-117592220-C-A. GRCh37 (hg19) VCF-style: chr7-117232274-C-A.
Other names: short protein forms Q685K.
Identifiers: ClinVar variation 4648743 (VCV004648743.1).